The following is an entry in ClinVar:

ClinVar aggregate classification (germline): Uncertain significance (1 of 4 stars; one submission).

gnomAD v4.1: 1 of 1,613,434 alleles (0.000062%); no homozygotes.

Submission:

GeneDx
Classification: Uncertain significance. Last evaluated: 2022-03-31. Review status: criteria provided, single submitter. Criteria: GeneDx Variant Classification Process June 2021. Collection method: clinical testing. Allele origin: germline. Affected: yes.
Comment: Not observed at significant frequency in large population cohorts (gnomAD); In silico analysis supports that this missense variant does not alter protein structure/function; Has not been previously published as pathogenic or benign to our knowledge

NM_178857.6(RP1L1):c.1072G>T (p.Val358Phe)

Gene: RP1L1 (RP1 like 1). Cytogenetic location: 8p23.1.
Variant type: single nucleotide variant.
Coding change: c.1072G>T on transcript NM_178857.6 (MANE Select); coding-DNA position 1072, G replaced by T.
Protein change: p.Val358Phe; replaces valine 358 with phenylalanine.
Molecular consequence: missense variant.
Genome position (GRCh38, 1-based): chr8:10,613,026, C>A on the plus strand (G>T on the coding strand, the complement: RP1L1 is on the minus strand). VCF-style: chr8-10613026-C-A. GRCh37 (hg19) VCF-style: chr8-10470536-C-A.
Other names: short protein forms V358F.
Identifiers: ClinVar variation 1707738 (VCV001707738.2), dbSNP rs369667634, ClinGen allele CA370296505.
Genomic context (GRCh38, chr8:10,613,026, plus strand): 5'-CTGAGAAGCCCCAAGGGTAGCCCTCCCACACACAGCAGAGGGGGTCTACCTCCCCCAGAA[C>A]GGGGTCTTCCCCACTGGCTGCCGTGAGGGCGCTGGCCCTGCCCATCCTCCGGGACCATAG-3'
Protein context (NP_849188.4, residues 348-368): ALTAASGEDP[Val358Phe]LGEVDPLCCV